The following is an entry in ClinVar:

NM_002532.6(NUP88):c.149CGC[5] (p.Pro53_Gln54insPro)

Gene: NUP88 (nucleoporin 88; minus strand). Cytogenetic location: 17p13.2.
Variant type: Microsatellite.
Coding change: c.149CGC[5] on transcript NM_002532.6 (MANE Select); five copies in a row of the 3-base unit CGC starting at c.149; the reference has four copies in a row; one copy, 3 bases duplicated; also written c.158_160dup.
Protein change: p.Pro53_Gln54insPro.
Molecular consequence: inframe insertion.
Genome position (GRCh38, 1-based): chr17:5,419,491-5,419,493, GCG duplicated on the plus strand (CGC on the coding strand, the reverse complement: NUP88 is on the minus strand); duplicating any 3 consecutive bases within chr17:5,419,491-5,419,502 gives the same sequence; the position shown is the placement nearest the transcript's 3' end. VCF-style (leftmost placement, unchanged base first): chr17-5419490-T-TGCG. GRCh37 (hg19) VCF-style: chr17-5322810-T-TGCG.
Other names: c.149CGC[5], p.Pro53_Gln54insPro (NM_001320653.2); c.158_160dup (NM_002532.6).
Identifiers: ClinVar variation 5005778 (VCV005005778.2).

ClinVar aggregate classification (germline): Uncertain significance (1 of 4 stars; one submission).

Conditions:
Fetal akinesia deformation sequence 4. Identifiers: MedGen C4760578, MONDO:0100104, OMIM 618393.

Submission:

Juno Genomics, Hangzhou Juno Genomics, Inc
Classification: Uncertain significance for Fetal akinesia deformation sequence 4. Review status: criteria provided, single submitter. Criteria: ACMG Guidelines, 2015. Collection method: clinical testing. Allele origin: germline.
Comment: Absent from controls (or at extremely low frequency if recessive) in Genome Aggregation Database.;Protein length changes due to in-frame deletions/insertions in a non-repeat region or stop-loss variants.